The following is an entry in ClinVar:

ClinVar aggregate classification (germline): Uncertain significance (1 of 4 stars; one submission).

Allele frequency attached by ClinVar (database versions not stated): gnomAD 0.00003; TOPMed 0.00004.
gnomAD v4.1: 18 of 1,613,578 alleles (0.0011%); highest among the groups gnomAD compares: East Asian, 0.0045%; no homozygotes.

Submission:

GeneDx
Classification: Uncertain significance. Last evaluated: 2023-05-08. Review status: criteria provided, single submitter. Criteria: GeneDx Variant Classification Process June 2021. Collection method: clinical testing. Allele origin: germline. Affected: yes.
Comment: In silico analysis supports that this missense variant has a deleterious effect on protein structure/function; This variant is associated with the following publications: (PMID: 35163221, Serpieri_2021, 30617178)

NM_015160.3(PMPCA):c.553C>T (p.Arg185Trp)

Genes: PMPCA (peptidase, mitochondrial processing subunit alpha; plus strand), LOC126860792 (CDK7 strongly-dependent group 2 enhancer GRCh37_chr9:139310410-139311609; plus strand). Cytogenetic location: 9q34.3.
Variant type: single nucleotide variant.
Coding change: c.553C>T on transcript NM_015160.3 (MANE Select); coding-DNA position 553, C replaced by T.
Protein change: p.Arg185Trp; replaces arginine 185 with tryptophan.
Molecular consequence: missense variant.
Genome position (GRCh38, 1-based): chr9:136,416,311, C>T. VCF-style: chr9-136416311-C-T. GRCh37 (hg19) VCF-style: chr9-139310763-C-T.
Other names: c.160C>T, p.Arg54Trp (NM_001282944.2); c.253C>T, p.Arg85Trp (NM_001282946.2); short protein forms R185W, R54W, R85W.
Identifiers: ClinVar variation 2501941 (VCV002501941.1), dbSNP rs1001253464, ClinGen allele CA201624573.